The following is an entry in ClinVar:

NM_018100.4(EFHC1):c.1370G>A (p.Arg457His)

Gene: EFHC1 (EF-hand domain containing 1; plus strand). Cytogenetic location: 6p12.2.
Variant type: single nucleotide variant.
Coding change: c.1370G>A on transcript NM_018100.4 (MANE Select); coding-DNA position 1370, G replaced by A.
Protein change: p.Arg457His; replaces arginine 457 with histidine.
Molecular consequence: missense variant. On other transcripts: non-coding transcript variant (1).
Genome position (GRCh38, 1-based): chr6:52,479,128, G>A. VCF-style: chr6-52479128-G-A. GRCh37 (hg19) VCF-style: chr6-52343926-G-A.
Other names: c.1313G>A, p.Arg438His (NM_001172420.2); short protein forms R438H, R457H.
Identifiers: ClinVar variation 1051912 (VCV001051912.48), dbSNP rs369468811, ClinGen allele CA3856074.

ClinVar aggregate classification (germline): Uncertain significance (1 of 4 stars; one submission).

Conditions:
Myoclonic epilepsy, juvenile, susceptibility to, 1. Also called: Myoclonic Epilepsy, Juvenile, 1; EJM1. Identifiers: MedGen C1850778, MONDO:0020752, OMIM 254770.
Absence seizure. Also called: Absence epilepsy. Identifiers: Orphanet 1941, MedGen C0014553.

Submission:

Labcorp Genetics (formerly Invitae), Labcorp
Classification: Uncertain significance for Myoclonic epilepsy, juvenile, susceptibility to, 1; Absence seizure. Last evaluated: 2020-09-16. Review status: criteria provided, single submitter. Criteria: Invitae Variant Classification Sherloc (09022015). Collection method: clinical testing. Allele origin: germline.
Comment: This sequence change replaces arginine with histidine at codon 457 of the EFHC1 protein (p.Arg457His). The arginine residue is highly conserved and there is a small physicochemical difference between arginine and histidine. This variant is present in population databases (rs369468811, ExAC 0.02%). In summary, the available evidence is currently insufficient to determine the role of this variant in disease. Therefore, it has been classified as a Variant of Uncertain Significance. Algorithms developed to predict the effect of missense changes on protein structure and function are either unavailable or do not agree on the potential impact of this missense change (SIFT: "Deleterious"; PolyPhen-2: "Probably Damaging"; Align-GVGD: "Class C0"). This variant has not been reported in the literature in individuals with EFHC1-related conditions.